The following is an entry in ClinVar:

ClinVar aggregate classification (germline): Likely pathogenic. Review status: criteria provided, multiple submitters, no conflicts (2 of 4 stars). 2 submissions from 2 submitters: Likely pathogenic (2). Last evaluated 2022-04-05.

Conditions:
Amyotrophic lateral sclerosis type 18. Identifiers: Orphanet 803, MedGen C3553719, MONDO:0013891, OMIM 614808.
Neurodegeneration. Also called: Neurodegenerative disease; Neurodegenerative illness; neurodegenerative disorder. Identifiers: MedGen C0027746, MONDO:0005559, HP:0002180.

Submissions (2):

Molecular Genetics, Royal Melbourne Hospital
Classification: Likely pathogenic for Neurodegeneration. Last evaluated: 2022-04-05. Review status: criteria provided, single submitter. Criteria: ACMG Guidelines, 2015. Collection method: clinical testing. Allele origin: germline. Affected: yes.
Comment: This sequence change is a duplication of 2 bp in exon 2 (of 3) of PFN1 that is predicted to create a premature termination codon at position 111 (p.Asp107Valfs*5). While this is not anticipated to result in nonsense mediated decay, it is expected to remove the last 30 amino acids in a region that has been shown to be critical for function (PMID: 31991009). Currently, only two loss of function variants (including a frameshift deletion similar to this variant, p.Asp107Argfs*3) have been associated with Paget's disease of bone and a osteoclast-specific conditional null mouse model recapitulates the phenotype (PMID: 31346562, 31991009, 32392277). The variant is absent in a large population cohort (gnomAD v2.1 and v3.0), and has not been reported in the relevant medical literature or databases. Based on the classification scheme RMH ACMG Guidelines v1.2.1, this variant is classified as LIKELY PATHOGENIC. Following criteria are met: PVS1_Moderate, PM2, PM6.

Victorian Clinical Genetics Services, Murdoch Childrens Research Institute
Classification: Likely pathogenic for Amyotrophic lateral sclerosis type 18. Last evaluated: 2020-10-19. Review status: criteria provided, single submitter. Criteria: ACMG Guidelines, 2015. Collection method: clinical testing. Allele origin: germline. Inheritance: Autosomal dominant inheritance.
Comment: Based on the classification scheme VCGS_Germline_v1.3.4, this variant is classified as Likely pathogenic. Following criteria are met: 0103 - Missense variants causing loss of function or toxic gain of function have been associated with amyotrophic lateral sclerosis 18 (MIM#) (PMID: 26908597). There is preliminary evidence that loss of function truncating variants in this gene cause Paget’s disease of bone (PMID: 32392277, PMID: 31991009, PMID: 31346562). Due to these different phenotype associations, it has been suggested that this gene can cause multisystem proteinopathy (PMID: 32589291). (I) 0107 - This gene is associated with autosomal dominant disease. (I) 0205 - Variant is predicted to result in a truncated protein (premature termination codon is NOT located at least 54 nucleotides upstream of the final exon-exon junction) with less than 1/3 of the protein sequence affected. (SP) 0251 - This variant is heterozygous. (I) 0301 - Variant is absent from gnomAD (both v2 and v3). (SP) 0600 - Variant is predicted to lose the C-terminal part of the protein including the alpha-helix 5 and beta-sheet 7 domains. (I) 0704 - Another truncating variant comparable to the one identified in this case has limited previous evidence for pathogenicity. Another frameshift truncating variant affecting the same codon as this variant has been reported in two families with Paget’s disease of bone (PMID: 32392277, PMID: 31991009). (SP) 0807 - This variant has no previous evidence of pathogenicity. (SP) Legend: (SP) - Supporting pathogenic, (I) - Information, (SB) - Supporting benign

Literature cited by the submitters: PubMed 31346562 (cited by Molecular Genetics, Royal Melbourne Hospital and Victorian Clinical Genetics Services, Murdoch Childrens Research Institute); PubMed 31991009 (cited by Molecular Genetics, Royal Melbourne Hospital and Victorian Clinical Genetics Services, Murdoch Childrens Research Institute); PubMed 32392277 (cited by Molecular Genetics, Royal Melbourne Hospital and Victorian Clinical Genetics Services, Murdoch Childrens Research Institute); PubMed 26908597 (cited by Victorian Clinical Genetics Services, Murdoch Childrens Research Institute); PubMed 32589291 (cited by Victorian Clinical Genetics Services, Murdoch Childrens Research Institute).

NM_005022.4(PFN1):c.318_319dup (p.Asp107fs)

Gene: PFN1 (profilin 1; minus strand). Cytogenetic location: 17p13.2.
Variant type: Duplication.
Coding change: c.318_319dup on transcript NM_005022.4 (MANE Select); coding-DNA positions 318 to 319, 2 bases duplicated (TG; older notation c.318_319dupTG).
Protein change: p.Asp107fs; shifts the reading frame from aspartic acid 107.
Molecular consequence: frameshift variant.
Genome position (GRCh38, 1-based): chr17:4,946,634-4,946,635, CA duplicated on the plus strand (TG on the coding strand, the reverse complement: PFN1 is on the minus strand). VCF-style (leftmost placement, unchanged base first): chr17-4946633-T-TCA. GRCh37 (hg19) VCF-style: chr17-4849928-T-TCA.
Other names: c.318_319dupTG (NM_005022.4); c.318_319dup, p.Asp107fs (NM_001375991.1); short protein forms D107fs.
Identifiers: ClinVar variation 1676224 (VCV001676224.4), dbSNP rs2151134645, ClinGen allele CA923726268.